The following is an entry in ClinVar:

ClinVar aggregate classification (germline): Uncertain significance. Review status: criteria provided, multiple submitters, no conflicts (2 of 4 stars). 2 submissions from 2 submitters: Uncertain significance (2). Last evaluated 2023-12-23.

Conditions:
Familial hypocalciuric hypercalcemia (FHH). Also called: Familial benign hypercalcemia. Identifiers: Orphanet 405, MedGen C1809471, MONDO:0018458.
Autosomal dominant hypocalcemia 1 (HYPOC1). Also called: HYPOCALCEMIA, FAMILIAL. Identifiers: MedGen C3715128, MONDO:0011013, OMIM 601198.
Nephrolithiasis/nephrocalcinosis. Identifiers: MedGen CN580796.

Allele frequency attached by ClinVar (database versions not stated): gnomAD exomes below 0.00001.

Submissions (2):

Ambry Genetics
Classification: Uncertain significance for Nephrolithiasis/nephrocalcinosis. Last evaluated: 2023-12-23. Review status: criteria provided, single submitter. Criteria: Ambry Variant Classification Scheme 2023. Collection method: clinical testing. Allele origin: germline.
Comment: The p.N446S variant (also known as c.1337A>G), located in coding exon 3 of the CASR gene, results from an A to G substitution at nucleotide position 1337. The asparagine at codon 446 is replaced by serine, an amino acid with highly similar properties. This amino acid position is highly conserved in available vertebrate species. In addition, this alteration is predicted to be tolerated by in silico analysis. Since supporting evidence is limited at this time, the clinical significance of this alteration remains unclear.

Labcorp Genetics (formerly Invitae), Labcorp
Classification: Uncertain significance for Familial hypocalciuric hypercalcemia; Autosomal dominant hypocalcemia 1. Last evaluated: 2023-11-21. Review status: criteria provided, single submitter. Criteria: Invitae Variant Classification Sherloc (09022015). Collection method: clinical testing. Allele origin: germline.
Comment: This sequence change replaces asparagine, which is neutral and polar, with serine, which is neutral and polar, at codon 446 of the CASR protein (p.Asn446Ser). This variant is not present in population databases (gnomAD no frequency). This variant has not been reported in the literature in individuals affected with CASR-related conditions. ClinVar contains an entry for this variant (Variation ID: 463900). An algorithm developed to predict the effect of missense changes on protein structure and function (PolyPhen-2) suggests that this variant is likely to be disruptive. In summary, the available evidence is currently insufficient to determine the role of this variant in disease. Therefore, it has been classified as a Variant of Uncertain Significance.

NM_000388.4(CASR):c.1337A>G (p.Asn446Ser)

Gene: CASR (calcium sensing receptor; plus strand). Cytogenetic location: 3q21.1.
Variant type: single nucleotide variant.
Coding change: c.1337A>G on transcript NM_000388.4 (MANE Select); coding-DNA position 1337, A replaced by G.
Protein change: p.Asn446Ser; replaces asparagine 446 with serine.
Molecular consequence: missense variant.
Genome position (GRCh38, 1-based): chr3:122,262,372, A>G. VCF-style: chr3-122262372-A-G. GRCh37 (hg19) VCF-style: chr3-121981219-A-G.
Other names: c.1337A>G, p.Asn446Ser (NM_001178065.2); short protein forms N446S.
Identifiers: ClinVar variation 463900 (VCV000463900.12), dbSNP rs1553766925, ClinGen allele CA354153195.